The following is an entry in ClinVar:

ClinVar aggregate classification (germline): Uncertain significance. Review status: criteria provided, multiple submitters, no conflicts (2 of 4 stars). 2 submissions from 2 submitters: Uncertain significance (2). Last evaluated 2025-06-01.

Conditions:
Autosomal dominant polycystic kidney disease. Identifiers: Orphanet 730, MedGen C0085413, MONDO:0004691.

gnomAD v4.1: 5 of 1,613,578 alleles (0.00031%); highest among the groups gnomAD compares: East Asian, 0.0022%; no homozygotes.

Submissions (2):

Labcorp Genetics (formerly Invitae), Labcorp
Classification: Uncertain significance for Autosomal dominant polycystic kidney disease. Last evaluated: 2025-06-01. Review status: criteria provided, single submitter. Criteria: Invitae Variant Classification Sherloc (09022015). Collection method: clinical testing. Allele origin: germline.
Comment: This sequence change replaces arginine, which is basic and polar, with glutamine, which is neutral and polar, at codon 742 of the PKD2 protein (p.Arg742Gln). The frequency data for this variant in the population databases is considered unreliable, as metrics indicate poor data quality at this position in the gnomAD database. This variant has not been reported in the literature in individuals affected with PKD2-related conditions. Invitae Evidence Modeling of protein sequence and biophysical properties (such as structural, functional, and spatial information, amino acid conservation, physicochemical variation, residue mobility, and thermodynamic stability) indicates that this missense variant is expected to disrupt PKD2 protein function with a positive predictive value of 80%. In summary, the available evidence is currently insufficient to determine the role of this variant in disease. Therefore, it has been classified as a Variant of Uncertain Significance.

CeGaT Center for Human Genetics Tuebingen
Classification: Uncertain significance. Last evaluated: 2025-04-01. Review status: criteria provided, single submitter. Criteria: CeGaT Center For Human Genetics Tuebingen Variant Classification Criteria Version 2. Collection method: clinical testing. Allele origin: germline. Affected: yes. Observed: 1 variant allele.

NM_000297.4(PKD2):c.2225G>A (p.Arg742Gln)

Gene: PKD2 (polycystin 2, transient receptor potential cation channel; plus strand). Cytogenetic location: 4q22.1.
Variant type: single nucleotide variant.
Coding change: c.2225G>A on transcript NM_000297.4 (MANE Select); coding-DNA position 2225, G replaced by A.
Protein change: p.Arg742Gln; replaces arginine 742 with glutamine.
Molecular consequence: missense variant. On other transcripts: non-coding transcript variant (1).
Genome position (GRCh38, 1-based): chr4:88,065,480, G>A. VCF-style: chr4-88065480-G-A. GRCh37 (hg19) VCF-style: chr4-88986632-G-A.
Other names: short protein forms R742Q.
Identifiers: ClinVar variation 3905562 (VCV003905562.11).
Genomic context (GRCh38, chr4:88,065,480, plus strand): 5'-TGGATGACATTTCAGAGAGTCTGCGGCAAGGAGGAGGCAAGTTAAACTTTGACGAACTTC[G>A]ACAAGATCTCAAAGGGTGAGAATCATGCTTCCTGAGGTTCTGAAAAATTCCTGCTTCTAA-3'
Protein context (NP_000288.1, residues 732-752): GGGKLNFDEL[Arg742Gln]QDLKGKGHTD